The following is an entry in ClinVar:

NM_004370.6(COL12A1):c.7658A>G (p.Tyr2553Cys)

Gene: COL12A1 (collagen type XII alpha 1 chain; minus strand). Cytogenetic location: 6q13.
Variant type: single nucleotide variant.
Coding change: c.7658A>G on transcript NM_004370.6 (MANE Select); coding-DNA position 7658, A replaced by G.
Protein change: p.Tyr2553Cys; replaces tyrosine 2553 with cysteine.
Molecular consequence: missense variant.
Genome position (GRCh38, 1-based): chr6:75,115,823, T>C on the plus strand (A>G on the coding strand, the complement: COL12A1 is on the minus strand). VCF-style: chr6-75115823-T-C. GRCh37 (hg19) VCF-style: chr6-75825539-T-C.
Other names: c.7658A>G, p.Tyr2553Cys (NM_001424113.1); c.7637A>G, p.Tyr2546Cys (NM_001424114.1); c.7385A>G, p.Tyr2462Cys (NM_001424115.1); c.4166A>G, p.Tyr1389Cys (NM_001424116.1, NM_080645.3); short protein forms Y1389C, Y2462C, Y2546C, Y2553C.
Identifiers: ClinVar variation 3753493 (VCV003753493.2).

ClinVar aggregate classification (germline): Uncertain significance (1 of 4 stars; one submission).

Conditions:
Ullrich congenital muscular dystrophy 2 (UCMD2). Identifiers: Orphanet 75840, MedGen C4225314, MONDO:0014654, OMIM 616470.
Bethlem myopathy 2 (BTHLM2). Identifiers: Orphanet 536516, Orphanet 610, MedGen C4225313, MONDO:0034022, OMIM 616471.

gnomAD v4.1: 2 of 1,613,338 alleles (0.00012%); highest among the groups gnomAD compares: African/African-American, 0.0013%; no homozygotes.

Submission:

Labcorp Genetics (formerly Invitae), Labcorp
Classification: Uncertain significance for Bethlem myopathy 2; Ullrich congenital muscular dystrophy 2. Last evaluated: 2024-10-22. Review status: criteria provided, single submitter. Criteria: Invitae Variant Classification Sherloc (09022015). Collection method: clinical testing. Allele origin: germline.
Comment: This sequence change replaces tyrosine, which is neutral and polar, with cysteine, which is neutral and slightly polar, at codon 2553 of the COL12A1 protein (p.Tyr2553Cys). This variant is not present in population databases (gnomAD no frequency). This variant has not been reported in the literature in individuals affected with COL12A1-related conditions. Invitae Evidence Modeling of protein sequence and biophysical properties (such as structural, functional, and spatial information, amino acid conservation, physicochemical variation, residue mobility, and thermodynamic stability) has been performed for this missense variant. However, the output from this modeling did not meet the statistical confidence thresholds required to predict the impact of this variant on COL12A1 protein function. In summary, the available evidence is currently insufficient to determine the role of this variant in disease. Therefore, it has been classified as a Variant of Uncertain Significance.